The following is an entry in ClinVar:

NM_006141.3(DYNC1LI2):c.108-6C>T

Gene: DYNC1LI2 (dynein cytoplasmic 1 light intermediate chain 2; minus strand). Cytogenetic location: 16q22.1.
Variant type: single nucleotide variant.
Coding change: c.108-6C>T on transcript NM_006141.3 (MANE Select); 6 bases into the intron before coding-DNA position 108, C replaced by T.
Molecular consequence: intron variant.
Genome position (GRCh38, 1-based): chr16:66,751,352, G>A on the plus strand (C>T on the coding strand, the complement: DYNC1LI2 is on the minus strand). VCF-style: chr16-66751352-G-A. GRCh37 (hg19) VCF-style: chr16-66785255-G-A.
Other names: c.108-6C>T (NM_001323955.2, NM_001286157.2).
Identifiers: ClinVar variation 2646603 (VCV002646603.24), dbSNP rs1201797696, ClinGen allele CA623116286.

ClinVar aggregate classification (germline): Likely benign (1 of 4 stars; one submission).

Allele frequency attached by ClinVar (database versions not stated): gnomAD exomes below 0.00001.
gnomAD v4.1: 6 of 1,611,316 alleles (0.00037%); highest among the groups gnomAD compares: Non-Finnish European, 0.00042%; no homozygotes.

Submission:

CeGaT Center for Human Genetics Tuebingen
Classification: Likely benign. Last evaluated: 2022-09-01. Review status: criteria provided, single submitter. Criteria: CeGaT Center For Human Genetics Tuebingen Variant Classification Criteria Version 2. Collection method: clinical testing. Allele origin: germline. Affected: yes. Observed: 1 variant allele.
Comment: DYNC1LI2: BP4